The following is an entry in ClinVar:

NM_001572.5(IRF7):c.1357-5G>A

Gene: IRF7 (interferon regulatory factor 7; minus strand). Cytogenetic location: 11p15.5.
Variant type: single nucleotide variant.
Coding change: c.1357-5G>A on transcript NM_001572.5 (MANE Select); 5 bases into the intron before coding-DNA position 1357, G replaced by A.
Molecular consequence: intron variant.
Genome position (GRCh38, 1-based): chr11:612,805, C>T on the plus strand (G>A on the coding strand, the complement: IRF7 is on the minus strand). VCF-style: chr11-612805-C-T. GRCh37 (hg19) VCF-style: chr11-612805-C-T.
Other names: c.1270-5G>A (NM_004029.4); c.1396-5G>A (NM_004031.4).
Identifiers: ClinVar variation 864571 (VCV000864571.9), dbSNP rs1856508713, ClinGen allele CA916083162.

ClinVar aggregate classification (germline): Uncertain significance (1 of 4 stars; one submission).

Conditions:
Immunodeficiency 39 (IMD39). Identifiers: Orphanet 574918, MedGen C4225358, MONDO:0014597, OMIM 616345.

Allele frequency attached by ClinVar (database versions not stated): gnomAD exomes below 0.00001.
gnomAD v4.1: 1 of 1,604,374 alleles (0.000062%); highest among the groups gnomAD compares: Middle Eastern, 0.017%; no homozygotes.

Submission:

Labcorp Genetics (formerly Invitae), Labcorp
Classification: Uncertain significance for Immunodeficiency 39. Last evaluated: 2023-08-20. Review status: criteria provided, single submitter. Criteria: Invitae Variant Classification Sherloc (09022015). Collection method: clinical testing. Allele origin: germline.
Comment: This variant has not been reported in the literature in individuals affected with IRF7-related conditions. ClinVar contains an entry for this variant (Variation ID: 864571). Algorithms developed to predict the effect of sequence changes on RNA splicing suggest that this variant may create or strengthen a splice site. In summary, the available evidence is currently insufficient to determine the role of this variant in disease. Therefore, it has been classified as a Variant of Uncertain Significance. This variant is not present in population databases (gnomAD no frequency). This sequence change falls in intron 8 of the IRF7 gene. It does not directly change the encoded amino acid sequence of the IRF7 protein.